The following is an entry in ClinVar:

ClinVar aggregate classification (germline): Uncertain significance (1 of 4 stars; one submission).

Conditions:
Inborn genetic diseases. Identifiers: MedGen C0950123, MeSH D030342.

Submission:

Ambry Genetics
Classification: Uncertain significance for Inborn genetic diseases. Last evaluated: 2025-12-27. Review status: criteria provided, single submitter. Criteria: Ambry Variant Classification Scheme 2023. Collection method: clinical testing. Allele origin: germline.
Comment: The p.A202G variant (also known as c.605C>G), located in coding exon 2 of the FANCM gene, results from a C to G substitution at nucleotide position 605. The alanine at codon 202 is replaced by glycine, an amino acid with similar properties. This amino acid position is conserved. In addition, this alteration is predicted to be tolerated by in silico analysis. Based on the available evidence, the clinical significance of this variant remains unclear.

NM_020937.4(FANCM):c.605C>G (p.Ala202Gly)

Gene: FANCM (FA complementation group M; plus strand). Cytogenetic location: 14q21.2.
Variant type: single nucleotide variant.
Coding change: c.605C>G on transcript NM_020937.4 (MANE Select); coding-DNA position 605, C replaced by G.
Protein change: p.Ala202Gly; replaces alanine 202 with glycine.
Molecular consequence: missense variant.
Genome position (GRCh38, 1-based): chr14:45,137,165, C>G. VCF-style: chr14-45137165-C-G. GRCh37 (hg19) VCF-style: chr14-45606368-C-G.
Other names: c.605C>G, p.Ala202Gly (NM_001308133.2, NM_001308134.2); short protein forms A202G.
Identifiers: ClinVar variation 4841751 (VCV004841751.1).